The following is an entry in ClinVar:

NM_001035.3(RYR2):c.9445G>A (p.Glu3149Lys)

Gene: RYR2 (ryanodine receptor 2; plus strand). Cytogenetic location: 1q43.
Variant type: single nucleotide variant.
Coding change: c.9445G>A on transcript NM_001035.3 (MANE Select); coding-DNA position 9445, G replaced by A.
Protein change: p.Glu3149Lys; replaces glutamic acid 3149 with lysine.
Molecular consequence: missense variant.
Genome position (GRCh38, 1-based): chr1:237,702,055, G>A. VCF-style: chr1-237702055-G-A. GRCh37 (hg19) VCF-style: chr1-237865355-G-A.
Other names: short protein forms E3149K.
Identifiers: ClinVar variation 3633817 (VCV003633817.2).

ClinVar aggregate classification (germline): Uncertain significance (1 of 4 stars; one submission).

Conditions:
Catecholaminergic polymorphic ventricular tachycardia 1. Also called: VENTRICULAR TACHYCARDIA, CATECHOLAMINERGIC POLYMORPHIC, 1, WITH OR WITHOUT ATRIAL DYSFUNCTION AND/OR DILATED CARDIOMYOPATHY; RYR2-Related Catecholaminergic Polymorphic Ventricular Tachycardia; VENTRICULAR TACHYCARDIA, STRESS-INDUCED POLYMORPHIC 1. Identifiers: Orphanet 3286, MedGen C1631597, MONDO:0011484, OMIM 604772.

Submission:

Labcorp Genetics (formerly Invitae), Labcorp
Classification: Uncertain significance for Catecholaminergic polymorphic ventricular tachycardia 1. Last evaluated: 2024-05-08. Review status: criteria provided, single submitter. Criteria: Invitae Variant Classification Sherloc (09022015). Collection method: clinical testing. Allele origin: germline.
Comment: This sequence change replaces glutamic acid, which is acidic and polar, with lysine, which is basic and polar, at codon 3149 of the RYR2 protein (p.Glu3149Lys). This variant is not present in population databases (gnomAD no frequency). This variant has not been reported in the literature in individuals affected with RYR2-related conditions. Advanced modeling of protein sequence and biophysical properties (such as structural, functional, and spatial information, amino acid conservation, physicochemical variation, residue mobility, and thermodynamic stability) performed at Invitae indicates that this missense variant is expected to disrupt RYR2 protein function with a positive predictive value of 95%. In summary, the available evidence is currently insufficient to determine the role of this variant in disease. Therefore, it has been classified as a Variant of Uncertain Significance.